The following is an entry in ClinVar:

ClinVar aggregate classification (germline): Uncertain significance. Review status: criteria provided, multiple submitters, no conflicts (2 of 4 stars). 2 submissions from 2 submitters: Uncertain significance (2). Last evaluated 2025-11-03.

gnomAD v4.1: 3 of 1,614,198 alleles (0.00019%); highest among the groups gnomAD compares: Non-Finnish European, 0.00025%; no homozygotes.

Submissions (2):

Labcorp Genetics (formerly Invitae), Labcorp
Classification: Uncertain significance. Last evaluated: 2025-11-03. Review status: criteria provided, single submitter. Criteria: Invitae Variant Classification Sherloc (09022015). Collection method: clinical testing. Allele origin: germline.
Comment: This sequence change replaces leucine, which is neutral and non-polar, with phenylalanine, which is neutral and non-polar, at codon 539 of the COL9A1 protein (p.Leu539Phe). This variant is present in population databases (rs770549428, gnomAD 0.0009%). This variant has not been reported in the literature in individuals affected with COL9A1-related conditions. ClinVar contains an entry for this variant (Variation ID: 3372081). Invitae Evidence Modeling of protein sequence and biophysical properties (such as structural, functional, and spatial information, amino acid conservation, physicochemical variation, residue mobility, and thermodynamic stability) indicates that this missense variant is not expected to disrupt COL9A1 protein function with a negative predictive value of 95%. In summary, the available evidence is currently insufficient to determine the role of this variant in disease. Therefore, it has been classified as a Variant of Uncertain Significance.

GeneDx
Classification: Uncertain significance. Last evaluated: 2024-04-05. Review status: criteria provided, single submitter. Criteria: GeneDx Variant Classification Process June 2021. Collection method: clinical testing. Allele origin: germline. Affected: yes.
Comment: Not observed at significant frequency in large population cohorts (gnomAD); In silico analysis indicates that this missense variant does not alter protein structure/function; Has not been previously published as pathogenic or benign to our knowledge

NM_001851.6(COL9A1):c.1617G>T (p.Leu539Phe)

Gene: COL9A1 (collagen type IX alpha 1 chain; minus strand). Cytogenetic location: 6q13.
Variant type: single nucleotide variant.
Coding change: c.1617G>T on transcript NM_001851.6 (MANE Select); coding-DNA position 1617, G replaced by T.
Protein change: p.Leu539Phe; replaces leucine 539 with phenylalanine.
Molecular consequence: missense variant. On other transcripts: non-coding transcript variant (1).
Genome position (GRCh38, 1-based): chr6:70,255,011, C>A on the plus strand (G>T on the coding strand, the complement: COL9A1 is on the minus strand). VCF-style: chr6-70255011-C-A. GRCh37 (hg19) VCF-style: chr6-70964714-C-A.
Other names: c.888G>T, p.Leu296Phe (NM_001377289.1, NM_001377290.1, NM_078485.4); short protein forms L296F, L539F.
Identifiers: ClinVar variation 3372081 (VCV003372081.2).